The following is an entry in ClinVar:

NC_000003.12:g.169764785A>G

Genes: TERC (telomerase RNA component; minus strand), LOC110806306 (telomerase RNA component (TERC) promoter; plus strand). Cytogenetic location: 3q26.2.
Variant type: single nucleotide variant.
Genome position: GRCh38 VCF-style: chr3-169764785-A-G. GRCh37 (hg19) VCF-style: chr3-169482573-A-G.
Identifiers: ClinVar variation 2981121 (VCV002981121.3), dbSNP rs1174129039, ClinGen allele CA436715187.

ClinVar aggregate classification (germline): Uncertain significance (1 of 4 stars; one submission).

Conditions:
Dyskeratosis congenita, autosomal dominant 1 (DKCA1). Also called: Dyskeratosis congenita Scoggins type. Identifiers: Orphanet 1775, MedGen C4551974, MONDO:0007485, OMIM 127550. Inheritance: Variable.

Allele frequency attached by ClinVar (database versions not stated): gnomAD exomes below 0.00001.
gnomAD v4.1: 1 of 739,454 alleles (0.00014%); highest among the groups gnomAD compares: Non-Finnish European, 0.00025%; no homozygotes.

Submission:

Labcorp Genetics (formerly Invitae), Labcorp
Classification: Uncertain significance for Dyskeratosis congenita, autosomal dominant 1. Last evaluated: 2024-10-14. Review status: criteria provided, single submitter. Criteria: Invitae Variant Classification Sherloc (09022015). Collection method: clinical testing. Allele origin: germline.
Comment: This variant occurs in the TERC gene, which encodes an RNA molecule that does not result in a protein product. This variant is not present in population databases (gnomAD no frequency). This variant has not been reported in the literature in individuals affected with TERC-related conditions. This variant is located within the conserved regions 4 and 5 (CR4-CR5) domain of the TERC RNA component, which is required for telomerase activity (PMID: 15082312, 21844345). In summary, the available evidence is currently insufficient to determine the role of this variant in disease. Therefore, it has been classified as a Variant of Uncertain Significance.

Literature cited by the submitters: PubMed 15082312; PubMed 21844345.